The following is an entry in ClinVar:

ClinVar aggregate classification (germline): Pathogenic (1 of 4 stars; one submission).

Submission:

GeneDx
Classification: Pathogenic. Last evaluated: 2017-12-15. Review status: criteria provided, single submitter. Criteria: GeneDx Variant Classification (06012015). Collection method: clinical testing. Allele origin: germline. Affected: yes.
Comment: The c.491_492delCCins15 pathogenic variant in the DSP gene has not been reported to our knowledge. However,this variant causes a shift in reading frame starting at codon alanine 164, changing it to a glutamic acid, and creating apremature stop codon at position 23 of the new reading frame, denoted p.Ala164GlufsX23. This pathogenic variant isexpected to result in either an abnormal, truncated protein product or loss of protein from this allele through nonsensemediatedmRNA decay. Other downstream frameshift variants in the DSP gene have been reported in the Human GeneMutation Database in association with cardiomyopathy (Stenson et al., 2014), indicating that loss of function is amechanism of disease for this gene. Furthermore, the c.491_492delCCins15 variant has not been observed in largepopulation cohorts (Lek et al., 2016).

NM_004415.3(DSP):c.491_492delCCins15 (p.?)

Gene: DSP (desmoplakin; plus strand). Cytogenetic location: 6p24.3.
Variant type: Indel.
Coding change: c.491_492delCCins15 on transcript NM_004415.3; coding-DNA positions 491 to 492, 2 bases deleted.
Protein change: p.?.
Identifiers: ClinVar variation 503972 (VCV000503972.1).